The following is an entry in ClinVar:

NM_004629.2(FANCG):c.156G>C (p.Gly52=)

Gene: FANCG (FA complementation group G; minus strand). Cytogenetic location: 9p13.3.
Variant type: single nucleotide variant.
Coding change: c.156G>C on transcript NM_004629.2 (MANE Select); coding-DNA position 156, G replaced by C.
Protein change: p.Gly52=; no amino-acid change (glycine 52 retained).
Molecular consequence: synonymous variant.
Genome position (GRCh38, 1-based): chr9:35,079,170, C>G on the plus strand (G>C on the coding strand, the complement: FANCG is on the minus strand). VCF-style: chr9-35079170-C-G. GRCh37 (hg19) VCF-style: chr9-35079167-C-G.
Other names: c.156G>C (NM_004629.1).
Identifiers: ClinVar variation 1144294 (VCV001144294.29), dbSNP rs778234892, ClinGen allele CA464416479.
Genomic context (GRCh38, chr9:35,079,170, plus strand): 5'-TGGAAGAGGGGAACTGACCATCCTGGGGAGGACCCGCCTACCTTGCAGACTATGGAGGAG[C>G]CCTCTGAGCCCTTCCAGTGCATCCTGAGCCAACTGCTGTCGCCTCAGAGTCAGACCGGAG-3'
Protein context (NP_004620.1, residues 42-62): LAQDALEGLR[Gly52=]LLHSLQGLPA

ClinVar aggregate classification (germline): Likely benign. Review status: criteria provided, multiple submitters, no conflicts (2 of 4 stars). 3 submissions from 3 submitters: Likely benign (3). Last evaluated 2025-07-24.

Conditions:
Fanconi anemia (FA). Also called: Fanconi's anemia. Identifiers: Orphanet 84, MedGen C0015625, MeSH D005199, MONDO:0019391.
Inborn genetic diseases. Identifiers: MedGen C0950123, MeSH D030342.

Allele frequency attached by ClinVar (database versions not stated): gnomAD 0.00001; TOPMed 0.00001.

Submissions (3):

Ambry Genetics
Classification: Likely benign for Inborn genetic diseases. Last evaluated: 2025-07-24. Review status: criteria provided, single submitter. Criteria: Ambry Variant Classification Scheme 2023. Collection method: clinical testing. Allele origin: germline.

Labcorp Genetics (formerly Invitae), Labcorp
Classification: Likely benign for Fanconi anemia. Last evaluated: 2024-09-10. Review status: criteria provided, single submitter. Criteria: Invitae Variant Classification Sherloc (09022015). Collection method: clinical testing. Allele origin: germline.

CeGaT Center for Human Genetics Tuebingen
Classification: Likely benign. Last evaluated: 2024-03-01. Review status: criteria provided, single submitter. Criteria: CeGaT Center For Human Genetics Tuebingen Variant Classification Criteria Version 2. Collection method: clinical testing. Allele origin: germline. Affected: yes. Observed: 1 variant allele.
Comment: FANCG: BP4, BP7